The following is an entry in ClinVar:

ClinVar aggregate classification (germline): Uncertain significance. Review status: criteria provided, multiple submitters, no conflicts (2 of 4 stars). 2 submissions from 2 submitters: Uncertain significance (2). Last evaluated 2025-07-01.

Conditions:
Camptomelic dysplasia (CMPD). Also called: CMPD1/SRA1; Campomelic Dysplasia. Identifiers: Orphanet 140, MedGen C1861922, MONDO:0007251, OMIM 114290.
Inborn genetic diseases. Identifiers: MedGen C0950123, MeSH D030342.

Allele frequency attached by ClinVar (database versions not stated): gnomAD exomes 0.00002; TOPMed 0.00003; gnomAD 0.00004.
gnomAD v4.1: 29 of 1,613,444 alleles (0.0018%); highest among the groups gnomAD compares: Non-Finnish European, 0.0023%; no homozygotes.

Submissions (2):

Labcorp Genetics (formerly Invitae), Labcorp
Classification: Uncertain significance for Camptomelic dysplasia. Last evaluated: 2025-07-01. Review status: criteria provided, single submitter. Criteria: Invitae Variant Classification Sherloc (09022015). Collection method: clinical testing. Allele origin: germline.
Comment: This sequence change replaces serine, which is neutral and polar, with glycine, which is neutral and non-polar, at codon 429 of the SOX9 protein (p.Ser429Gly). This variant is present in population databases (no rsID available, gnomAD 0.002%). This variant has not been reported in the literature in individuals affected with SOX9-related conditions. ClinVar contains an entry for this variant (Variation ID: 2118932). Invitae Evidence Modeling of protein sequence and biophysical properties (such as structural, functional, and spatial information, amino acid conservation, physicochemical variation, residue mobility, and thermodynamic stability) indicates that this missense variant is not expected to disrupt SOX9 protein function with a negative predictive value of 95%. In summary, the available evidence is currently insufficient to determine the role of this variant in disease. Therefore, it has been classified as a Variant of Uncertain Significance.

Ambry Genetics
Classification: Uncertain significance for Inborn genetic diseases. Last evaluated: 2024-11-27. Review status: criteria provided, single submitter. Criteria: Ambry Variant Classification Scheme 2023. Collection method: clinical testing. Allele origin: germline.

NM_000346.4(SOX9):c.1285A>G (p.Ser429Gly)

Gene: SOX9 (SRY-box transcription factor 9; plus strand). Cytogenetic location: 17q24.3.
Variant type: single nucleotide variant.
Coding change: c.1285A>G on transcript NM_000346.4 (MANE Select); coding-DNA position 1285, A replaced by G.
Protein change: p.Ser429Gly; replaces serine 429 with glycine.
Molecular consequence: missense variant.
Genome position (GRCh38, 1-based): chr17:72,124,142, A>G. VCF-style: chr17-72124142-A-G. GRCh37 (hg19) VCF-style: chr17-70120283-A-G.
Other names: c.1285A>G (NM_000346.3); short protein forms S429G.
Identifiers: ClinVar variation 2118932 (VCV002118932.5), dbSNP rs1221019467, ClinGen allele CA400868117.